The following is an entry in ClinVar:

NM_007294.4(BRCA1):c.3025T>C (p.Ser1009Pro)

Gene: BRCA1 (BRCA1 DNA repair associated; minus strand). Cytogenetic location: 17q21.31.
Variant type: single nucleotide variant.
Coding change: c.3025T>C on transcript NM_007294.4 (MANE Select); coding-DNA position 3025, T replaced by C.
Protein change: p.Ser1009Pro; replaces serine 1009 with proline.
Molecular consequence: missense variant. On other transcripts: intron variant (137).
Genome position (GRCh38, 1-based): chr17:43,092,506, A>G on the plus strand (T>C on the coding strand, the complement: BRCA1 is on the minus strand). VCF-style: chr17-43092506-A-G. GRCh37 (hg19) VCF-style: chr17-41244523-A-G.
Other names: c.2902T>C, p.Ser968Pro (NM_001407682.1, NM_001407683.1, NM_001407648.1 and 19 more transcripts); c.3025T>C, p.Ser1009Pro (NM_001407684.1, NM_001407581.1, NM_001407582.1 and 30 more transcripts); c.2899T>C, p.Ser967Pro (NM_001407685.1, NM_001407686.1, NM_001407687.1 and 11 more transcripts); c.2884T>C, p.Ser962Pro (NM_001407738.1, NM_001407739.1, NM_001407698.1 and 29 more transcripts); c.2881T>C, p.Ser961Pro (NM_001407740.1, NM_001407741.1, NM_001407742.1 and 20 more transcripts); c.2812T>C, p.Ser938Pro (NM_001407571.1, NM_001407853.1, NM_001407894.1 and 9 more transcripts); c.3022T>C, p.Ser1008Pro (NM_001407587.1, NM_001407590.1, NM_001407591.1 and 22 more transcripts); c.3016T>C, p.Ser1006Pro (NM_001407646.1, NM_001407647.1); and 41 more; short protein forms S1009P, S962P, S881P, S920P, S961P, S1008P, S882P, S942P.
Identifiers: ClinVar variation 1026712 (VCV001026712.12), dbSNP rs2053654131, ClinGen allele CA10595942.

ClinVar aggregate classification (germline): Conflicting classifications of pathogenicity. Review status: criteria provided, conflicting classifications (1 of 4 stars). 2 submissions from 2 submitters: Uncertain significance (1); Likely benign (1). Last evaluated 2023-03-23.

Conditions:
Hereditary cancer-predisposing syndrome. Also called: Neoplastic Syndromes, Hereditary; Tumor predisposition; Hereditary Cancer Syndrome; Hereditary neoplastic syndrome. Identifiers: Orphanet 140162, MedGen C0027672, MeSH D009386, MONDO:0015356.
Hereditary breast ovarian cancer syndrome. Also called: Hereditary breast and ovarian cancer; Hereditary breast and ovarian cancer syndrome (HBOC); Hereditary breast and ovarian cancer syndrome; BRCA1- and BRCA2-Associated Hereditary Breast and Ovarian Cancer; Hereditary breast and/or ovarian cancer syndrome; Breast and ovarian cancer. Identifiers: Orphanet 145, MedGen C0677776, MeSH D061325, MONDO:0003582. Disease mechanism: loss of function.

Submissions (2):

University of Washington Department of Laboratory Medicine, University of Washington
Classification: Likely benign for Hereditary cancer-predisposing syndrome. Last evaluated: 2023-03-23. Review status: criteria provided, single submitter. Criteria: Dines et al. (Genet Med. 2020). Collection method: curation. Allele origin: germline.
Comment: Missense variant in a coldspot region where missense variants are very unlikely to be pathogenic (PMID:31911673).

BRCA1 coldspot (exon 11 using historical exon numbering). Reclassification based on statistical prior probability

Labcorp Genetics (formerly Invitae), Labcorp
Classification: Uncertain significance for Hereditary breast ovarian cancer syndrome. Last evaluated: 2021-06-16. Review status: criteria provided, single submitter. Criteria: Invitae Variant Classification Sherloc (09022015). Collection method: clinical testing. Allele origin: germline.
Comment: This variant is not present in population databases (ExAC no frequency). This variant has not been reported in the literature in individuals with BRCA1-related conditions. Advanced modeling of protein sequence and biophysical properties (such as structural, functional, and spatial information, amino acid conservation, physicochemical variation, residue mobility, and thermodynamic stability) performed at Invitae indicates that this missense variant is not expected to disrupt BRCA1 protein function. In summary, the available evidence is currently insufficient to determine the role of this variant in disease. Therefore, it has been classified as a Variant of Uncertain Significance. This sequence change replaces serine with proline at codon 1009 of the BRCA1 protein (p.Ser1009Pro). The serine residue is moderately conserved and there is a moderate physicochemical difference between serine and proline.